The following is an entry in ClinVar:

NM_006031.6(PCNT):c.4582G>T (p.Glu1528Ter)

Gene: PCNT (pericentrin; plus strand). Cytogenetic location: 21q22.3.
Variant type: single nucleotide variant.
Coding change: c.4582G>T on transcript NM_006031.6 (MANE Select); coding-DNA position 4582, G replaced by T.
Protein change: p.Glu1528Ter; replaces glutamic acid 1528 with a stop codon.
Molecular consequence: nonsense.
Genome position (GRCh38, 1-based): chr21:46,398,253, G>T. VCF-style: chr21-46398253-G-T. GRCh37 (hg19) VCF-style: chr21-47818167-G-T.
Other names: c.4228G>T, p.Glu1410Ter (NM_001315529.2); short protein forms E1410*, E1528*.
Identifiers: ClinVar variation 2633869 (VCV002633869.2), dbSNP rs2518620363, ClinGen allele CA410579648.

ClinVar aggregate classification (germline): Likely pathogenic (1 of 4 stars; one submission).

Conditions:
PCNT-related disorder. Also called: PCNT-related condition.

Submission:

PreventionGenetics, part of Exact Sciences
Classification: Likely pathogenic for PCNT-related condition. Last evaluated: 2025-05-28. Review status: criteria provided, single submitter. Criteria: ACMG Guidelines, 2015. Collection method: clinical testing. Allele origin: germline.
Comment: The PCNT c.4582G>T variant is predicted to result in premature protein termination (p.Glu1528*). To our knowledge, this variant has not been reported in the literature or in a large population database (gnomAD), indicating this variant is rare. Nonsense variants in PCNT are expected to be pathogenic. This variant is interpreted as likely pathogenic.